The following is an entry in ClinVar:

NM_005033.3(EXOSC9):c.1157-176del

Gene: EXOSC9 (exosome component 9; plus strand). Cytogenetic location: 4q27.
Variant type: Deletion.
Coding change: c.1157-176del on transcript NM_005033.3 (MANE Select); 176 bases into the intron before coding-DNA position 1157, one base deleted (A; older notation c.1157-176delA).
Molecular consequence: intron variant. On other transcripts: frameshift variant (1).
Genome position (GRCh38, 1-based): chr4:121,816,193, A deleted. VCF-style (leftmost placement, unchanged base first): chr4-121816192-CA-C. GRCh37 (hg19) VCF-style: chr4-122737347-CA-C.
Other names: c.1206del, p.Asp403fs (NM_001034194.2); short protein forms D403fs.
Identifiers: ClinVar variation 1407196 (VCV001407196.5), dbSNP rs1453864069, ClinGen allele CA554181263.

ClinVar aggregate classification (germline): Pathogenic (1 of 4 stars; one submission).

Allele frequency attached by ClinVar (database versions not stated): gnomAD exomes 0.00001; gnomAD 0.00007; TOPMed 0.00012.

Submission:

Labcorp Genetics (formerly Invitae), Labcorp
Classification: Pathogenic. Last evaluated: 2024-09-19. Review status: criteria provided, single submitter. Criteria: Invitae Variant Classification Sherloc (09022015). Collection method: clinical testing. Allele origin: germline.
Comment: This sequence change creates a premature translational stop signal (p.Asp403Metfs*4) in the EXOSC9 gene. It is expected to result in an absent or disrupted protein product. Loss-of-function variants in EXOSC9 are known to be pathogenic (PMID: 29727687, 33040083). The frequency data for this variant in the population databases is considered unreliable, as metrics indicate poor data quality at this position in the gnomAD database. This variant has not been reported in the literature in individuals affected with EXOSC9-related conditions. ClinVar contains an entry for this variant (Variation ID: 1407196). Algorithms developed to predict the effect of sequence changes on RNA splicing suggest that this variant may disrupt the consensus splice site. For these reasons, this variant has been classified as Pathogenic.

Literature cited by the submitters: PubMed 29727687; PubMed 33040083.